The following is an entry in ClinVar:

ClinVar aggregate classification (germline): Pathogenic (1 of 4 stars; one submission).

Conditions:
Tuberous sclerosis 2 (TSC2). Identifiers: Orphanet 805, MedGen C1860707, MONDO:0013199, OMIM 613254.

Submission:

Labcorp Genetics (formerly Invitae), Labcorp
Classification: Pathogenic for Tuberous sclerosis 2. Last evaluated: 2019-08-14. Review status: criteria provided, single submitter. Criteria: Invitae Variant Classification Sherloc (09022015). Collection method: clinical testing. Allele origin: germline.
Comment: A gross deletion of the genomic region encompassing the full coding sequence of the TSC2 gene has been identified. The boundaries of this event are unknown as the deletion extends beyond the assayed region for this gene and therefore may encompass additional genes. Loss-of-function variants in TSC2 are known to be pathogenic. This particular variant has been reported in the literature in individuals affected with tuberous sclerosis complex (PMID: 17287951, 16114042). For these reasons, this variant has been classified as Pathogenic.

Literature cited by the submitters: PubMed 17287951; PubMed 16114042.

NC_000016.10:g.(?_2048596)_(2135709_?)del

Genes: MIR1225 (microRNA 1225; minus strand), PKD1 (polycystin 1, transient receptor potential channel interacting; minus strand), TSC2 (TSC complex subunit 2; plus strand). Cytogenetic location: 16p13.3.
Variant type: Deletion.
Identifiers: ClinVar variation 833245 (VCV000833245.1).